The following is an entry in ClinVar:

NM_022489.4(INF2):c.2805G>A (p.Ala935=)

Gene: INF2 (inverted formin 2; plus strand). Cytogenetic location: 14q32.33.
Variant type: single nucleotide variant.
Coding change: c.2805G>A on transcript NM_022489.4 (MANE Select); coding-DNA position 2805, G replaced by A.
Protein change: p.Ala935=; no amino-acid change (alanine 935 retained).
Molecular consequence: synonymous variant.
Genome position (GRCh38, 1-based): chr14:104,713,236, G>A. VCF-style: chr14-104713236-G-A. GRCh37 (hg19) VCF-style: chr14-105179573-G-A.
Other names: c.2805G>A (NM_022489.3); c.2805G>A, p.Ala935= (NM_001031714.4, NM_001426862.1, NM_001426863.1 and 2 more transcripts).
Identifiers: ClinVar variation 2945611 (VCV002945611.4), dbSNP rs375345304, ClinGen allele CA7373093.
Genomic context (GRCh38, chr14:104,713,236, plus strand): 5'-TGGGGTGACGGGGCCACATCTGCCAGTGCAGGAGAACAAGGACCGGAAGGAGCAGGCGGC[G>A]AAGGCAGAGAGGAGGAAGCAGCAGCTGGCGGAGGAGGAGGCGCGGCGGCCTCGGGGAGAG-3'
Protein context (NP_071934.3, residues 925-945): KENKDRKEQA[Ala935=]KAERRKQQLA

ClinVar aggregate classification (germline): Likely benign. Review status: criteria provided, multiple submitters, no conflicts (2 of 4 stars). 2 submissions from 2 submitters: Likely benign (2). Last evaluated 2026-09-16.

Conditions:
INF2-related disorder. Also called: INF2-related condition.
Focal segmental glomerulosclerosis 5 (FSGS5). Identifiers: Orphanet 656, MedGen C2750475, MONDO:0013191, OMIM 613237.
Charcot-Marie-Tooth disease dominant intermediate E. Also called: CHARCOT-MARIE-TOOTH NEUROPATHY WITH FOCAL SEGMENTAL GLOMERULONEPHRITIS. Identifiers: Orphanet 93114, MedGen C4302667, MONDO:0013758, OMIM 614455.

Allele frequency attached by ClinVar (database versions not stated): ExAC 0.00005; gnomAD 0.00005; ESP Exome Variant Server 0.00008; TOPMed 0.00008.
gnomAD v4.1: 67 of 1,553,130 alleles (0.0043%); highest among the groups gnomAD compares: Non-Finnish European, 0.0053%; no homozygotes.

Submissions (2):

PreventionGenetics, part of Exact Sciences
Classification: Likely benign for INF2-related condition. Last evaluated: 2026-09-16. Review status: criteria provided, single submitter. Criteria: ACMG Guidelines, 2015. Collection method: clinical testing. Allele origin: germline.
Comment: This variant is classified as likely benign based on ACMG/AMP sequence variant interpretation guidelines (Richards et al. 2015 PMID: 25741868, with internal and published modifications).

Labcorp Genetics (formerly Invitae), Labcorp
Classification: Likely benign for Charcot-Marie-Tooth disease dominant intermediate E; Focal segmental glomerulosclerosis 5. Last evaluated: 2023-06-21. Review status: criteria provided, single submitter. Criteria: Invitae Variant Classification Sherloc (09022015). Collection method: clinical testing. Allele origin: germline.